The following continues an entry in ClinVar:

NM_000179.3(MSH6):c.3991C>T (p.Arg1331Ter)

Gene: MSH6. ClinVar aggregate classification (germline): Pathogenic. Pathogenic (1).

Submissions 9 to 26 of 26:

All of Us Research Program, National Institutes of Health
Classification: Pathogenic for Lynch syndrome. Last evaluated: 2024-01-08. Review status: criteria provided, single submitter. Criteria: ACMG Guidelines, 2015. Collection method: clinical testing. Allele origin: germline. Inheritance: Autosomal dominant inheritance. Observed: 2 variant alleles, 2 heterozygotes. Not counted in ClinVar's aggregate classification.
Comment: The c.3991C>T (p.Arg1331*) variant in the MSH6 gene is predicted to introduce a premature translation termination codon. This variant has been reported in multiple unrelated individuals with Lynch Syndrome-associated tumors and loss of MSH6 expression through immunohistochemistry staining were identified in the tumors of these individuals (PMID 16034045,18301448, 20587412). This variant has also been reported in two individuals with constitutional mismatch repair syndrome. One the two individuals carry this variant in trans with a likely pathogenic MSH6 variant (p.Arg1076Cys, PMID 16418736) and the other individual was homozygous with this variant (PMID 26318770). This variant is extremely rare in general population databases. Therefore, this c.3991C>T (p.Arg1331*) variant in the MSH6 gene is classified as pathogenic.

This study involves interpretation of variants in research participants for the purpose of population health screening. Participant phenotype was not available at the time of variant classification. Additional details can be found in publication PMID: 35346344, PMCID: PMC8962531

Institute for Clinical Genetics, University Hospital TU Dresden, University Hospital TU Dresden
Classification: Pathogenic. Last evaluated: 2023-06-20. Review status: criteria provided, single submitter. Criteria: ACMG Guidelines, 2015. Collection method: clinical testing. Allele origin: germline. Not counted in ClinVar's aggregate classification.

Human Genetics Bochum, Ruhr University Bochum
Classification: Pathogenic for Lynch syndrome 5. Last evaluated: 2023-05-31. Review status: criteria provided, single submitter. Criteria: ACMG Guidelines, 2015. Collection method: clinical testing. Allele origin: germline. Affected: yes. Not counted in ClinVar's aggregate classification.
Comment: ACMG criteria used to clasify this variant:PVS1, PS4_MOD, PM1, PS3_SUP, PM2_SUP

Myriad Genetics, Inc.
Classification: Pathogenic for Lynch syndrome 5. Last evaluated: 2023-03-30. Review status: criteria provided, single submitter. Criteria: Myriad Autosomal Dominant, Autosomal Recessive and X-Linked Classification Criteria (2023). Collection method: clinical testing. Allele origin: unknown. Not counted in ClinVar's aggregate classification.
Comment: This variant is considered pathogenic. This variant creates a termination codon and is predicted to result in premature protein truncation. Functional studies indicate this variant impacts protein function [PMID:16418736].

Baylor Genetics
Classification: Pathogenic for Endometrial carcinoma. Last evaluated: 2023-02-21. Review status: criteria provided, single submitter. Criteria: ACMG Guidelines, 2015. Collection method: clinical testing. Allele origin: unknown. Not counted in ClinVar's aggregate classification.

CHEO Genetics Diagnostic Laboratory, Children's Hospital of Eastern Ontario
Classification: Pathogenic for Breast and/or ovarian cancer. Last evaluated: 2023-02-06. Review status: criteria provided, single submitter. Criteria: ACMG Guidelines, 2015. Collection method: clinical testing. Allele origin: germline. Not counted in ClinVar's aggregate classification.

Institute of Human Genetics, Clinical Exome/Genome Diagnostics Group, University Hospital Bonn
Classification: Pathogenic for Lynch syndrome 5. Last evaluated: 2022-09-27. Review status: criteria provided, single submitter. Criteria: ACMG Guidelines, 2015. Collection method: clinical testing. Allele origin: germline. Not counted in ClinVar's aggregate classification.

Fulgent Genetics
Classification: Pathogenic for Endometrial carcinoma; Lynch syndrome 5; Mismatch repair cancer syndrome 3. Last evaluated: 2022-03-17. Review status: criteria provided, single submitter. Criteria: ACMG Guidelines, 2015. Collection method: clinical testing. Allele origin: unknown. Not counted in ClinVar's aggregate classification.

Quest Diagnostics Nichols Institute San Juan Capistrano
Classification: Pathogenic. Last evaluated: 2022-02-06. Review status: criteria provided, single submitter. Criteria: Quest Diagnostics criteria. Collection method: clinical testing. Allele origin: unknown. Not counted in ClinVar's aggregate classification.
Comment: This nonsense variant causes the premature termination of MSH6 protein synthesis. A published experimental study indicated that this variant results in partial skipping of exon 9 (PMID: 16418736). Additionally, this variant has been reported in individuals with breast (PMID: 26681312 (2016)), ovarian (PMID: 30322717 (2018)), endometrial (PMIDs: 16034045 (2005) and 26552419 (2015)), colorectal (PMIDs: 20587412 (2010), 21056691 (2011), 22081473 (2012), 26318770 (2015), and 27601186 (2016)), and other lynch-related cancers whose tumors showed loss of MSH6 expression in the immunohistochemistry staining (PMIDs: 16034045 (2005), 18301448 (2008), 20587412 (2010), and 22081473 (2012)). In addition, this variant has also been reported in a couple of individuals with constitutional mismatch repair syndrome in the compound heterozygous state with another pathogenic MSH6 variant or in the homozygous state (PMIDs: 16418736 (2006) and 26318770 (2015)). Based on the available information, this variant is classified as pathogenic.

Women's Health and Genetics/Laboratory Corporation of America, LabCorp
Classification: Pathogenic for Hereditary nonpolyposis colon cancer. Last evaluated: 2022-01-26. Review status: criteria provided, single submitter. Criteria: LabCorp Variant Classification Summary - May 2015. Collection method: clinical testing. Allele origin: germline. Not counted in ClinVar's aggregate classification.
Comment: Variant summary: MSH6 c.3991C>T (p.Arg1331X) results in a premature termination codon, predicted to cause a truncation of the encoded protein or absence of the protein due to nonsense mediated decay, which are commonly known mechanisms for disease. The variant allele was found at a frequency of 4.1e-06 in 245746 control chromosomes (gnomAD). c.3991C>T has been reported in the literature in individuals affected with varying cancer phenotypes including colorectal (Sjursen_2010, Limburg_2011, van Lier_2012, Lavoine_2015), endometrial (Goodfellow_2015), and breast (Susswein_2016), and in individuals with a family history of Lynch syndrome (Plaschke_2006). These data indicate that the variant is very likely to be associated with disease. The variant has, however, also been reported in seemingly healthy individuals, including the father of a compound heterozygote child with Lynch Syndrome, indicating that it may exhibit reduced penetrance (Plaschke_2006). One publication reports experimental evidence indicating that the variant results in exon 9 skipping (Plaschke_2006), and multiple publications report a reduction of IHC staining for MSH6 protein in samples from individuals with this variant. Six ClinVar submissions from clinical diagnostic laboratories (evaluation after 2014) cite the variant as pathogenic. Based on the evidence outlined above, the variant was classified as pathogenic.

Laboratory for Molecular Medicine, Mass General Brigham Personalized Medicine
Classification: Pathogenic for Lynch syndrome. Last evaluated: 2021-10-27. Review status: criteria provided, single submitter. Criteria: ACMG Guidelines, 2015. Collection method: clinical testing. Allele origin: germline. Inheritance: Autosomal dominant inheritance. Not counted in ClinVar's aggregate classification.
Comment: The p.Arg1331X variant in MSH6 has been reported in the heterozygous state in 6 individuals with MSH6-associated cancers, some of whose tumors demonstrated loss of MSH6 expression on immunohistochemistry (IHC) analysis (Stormorken 2005 PMID:16034045, Sjursen 2010 PMID:20587412, Bonadona 2011 PMID:21642682, Susswein 2015 PMID:26681312, LMM data). This variant has also been reported in 2 individuals with clinical features of constitutional mismatch repair syndrome in the compound heterozygous state with another MSH6 variant (Plaschke 2006 PMID:16418736) or in the homozygous state (Lavoine 2015 PMID:26318770). In addition, the p.Arg1331X variant has been identified in 0.001% (1/67908) European chromosomes by gnomAD. This nonsense variant leads to a premature termination codon at position 1331. This alteration occurs within the terminal 50 bases of the second to last exon and is more likely to escape nonsense mediated decay (NMD) and result in a truncated protein. This has been corroborated by studies have demonstrated that the variant results in skipping of exon 9, giving rise to a truncated mRNA leading to drastically reduced MSH6 protein levels, suggesting that this truncated protein is unstable (Plaschke 2006 PMID:16418736). Moreover, the p.Arg1331X variant has been classified as pathogenic on September 5, 2013 by the ClinGen-approved InSiGHT Expert Panel (ClinVar SCV000108181.2). In summary, this variant meets criteria to be classified as pathogenic for Lynch syndrome in an autosomal dominant manner. ACMG/AMP Criteria applied: PS4_Moderate, PM2_Supporting, PVS1_Strong, PM3, PS3_Moderate.

MGZ Medical Genetics Center
Classification: Pathogenic for Lynch syndrome 5. Last evaluated: 2021-10-20. Review status: criteria provided, single submitter. Criteria: ACMG Guidelines, 2015. Collection method: clinical testing. Allele origin: germline. Affected: yes. Observed: 1 variant allele. Not counted in ClinVar's aggregate classification.
Comment: ACMG criteria applied: PS3, PVS1_MOD, PS4_MOD, PM3, PP1

Institute of Human Genetics, University of Leipzig Medical Center
Classification: Pathogenic for Lynch syndrome 5. Last evaluated: 2019-02-08. Review status: criteria provided, single submitter. Criteria: ACMG Guidelines, 2015. Collection method: clinical testing. Allele origin: germline. Affected: yes. Observed: 1 variant allele. Not counted in ClinVar's aggregate classification.

Human Genome Sequencing Center Clinical Lab, Baylor College of Medicine
Classification: Pathogenic for Hereditary non-polyposis colorectal cancer, type 5. Last evaluated: 2018-10-14. Review status: criteria provided, single submitter. Criteria: ACMG Guidelines, 2015. Collection method: clinical testing. Allele origin: germline. Not counted in ClinVar's aggregate classification.
Comment: The c.3991C>T (p.Arg1331*) variant in the MSH6 gene is predicted to introduce a premature translation termination codon. This variant has been reported in multiple unrelated individuals with Lynch Syndrome-associated tumors and loss of MSH6 expression through immunohistochemistry staining were identified in the tumors of these individuals (PMID 16034045,18301448, 20587412). This variant has also been reported in two individuals with constitutional mismatch repair syndrome. One the two individuals carry this variant in trans with a likely pathogenic MSH6 variant (p.Arg1076Cys, PMID 16418736) and the other individual was homozygous with this variant (PMID 26318770). This variant is extremely rare in general population databases. Therefore, this c.3991C>T (p.Arg1331*) variant in the MSH6 gene is classified as pathogenic.

Counsyl
Classification: Pathogenic for Lynch syndrome 5. Last evaluated: 2016-02-02. Review status: no assertion criteria provided. Collection method: clinical testing. Allele origin: unknown. Not counted in ClinVar's aggregate classification.

Clinical Genetics DNA and cytogenetics Diagnostics Lab, Erasmus MC, Erasmus Medical Center
Classification: Pathogenic. Review status: no assertion criteria provided. Collection method: clinical testing. Allele origin: germline. Affected: yes. Study: VKGL Data-share Consensus. Not counted in ClinVar's aggregate classification.

Diagnostic Laboratory, Department of Genetics, University Medical Center Groningen
Classification: Pathogenic. Review status: no assertion criteria provided. Collection method: clinical testing. Allele origin: germline. Affected: yes. Study: VKGL Data-share Consensus. Not counted in ClinVar's aggregate classification.

Joint Genome Diagnostic Labs from Nijmegen and Maastricht, Radboudumc and MUMC+
Classification: Pathogenic. Review status: no assertion criteria provided. Collection method: clinical testing. Allele origin: germline. Affected: yes. Study: VKGL Data-share Consensus. Not counted in ClinVar's aggregate classification.

Literature cited by the submitters: PubMed 16034045 (cited by 4 submitters); PubMed 18301448 (cited by 4 submitters); PubMed 20587412 (cited by 6 submitters); PubMed 21056691 (cited by 6 submitters); PubMed 21642682 (cited by 4 submitters); PubMed 27601186 (cited by 4 submitters); PubMed 16418736 (cited by 8 submitters); PubMed 19851887 (cited by Labcorp Genetics (formerly Invitae), Labcorp); PubMed 21155762 (cited by Labcorp Genetics (formerly Invitae), Labcorp); PubMed 26318770 (cited by 6 submitters); PubMed 26681312 (cited by 5 submitters); PubMed 28888541 (cited by Mayo Clinic Laboratories, Mayo Clinic); PubMed 30322717 (cited by 3 submitters); PubMed 31054147 (cited by 3 submitters); PubMed 36744932 (cited by Mayo Clinic Laboratories, Mayo Clinic); PubMed 18409202 (cited by Ambry Genetics and Quest Diagnostics Nichols Institute San Juan Capistrano); PubMed 20531397 (cited by Ambry Genetics); PubMed 21674763 (cited by Ambry Genetics and Color Diagnostics, LLC DBA Color Health); PubMed 22081473 (cited by 4 submitters); PubMed 24362816 (cited by Ambry Genetics); PubMed 24989436 (cited by Ambry Genetics); PubMed 27380347 (cited by Ambry Genetics and Quest Diagnostics Nichols Institute San Juan Capistrano); PubMed 29345684 (cited by Ambry Genetics and Color Diagnostics, LLC DBA Color Health); PubMed 31501241 (cited by Ambry Genetics); PubMed 32775946 (cited by Ambry Genetics); PubMed 26552419 (cited by 3 submitters); PubMed 33471991 (cited by Quest Diagnostics Nichols Institute San Juan Capistrano); PubMed 31447099 (cited by Quest Diagnostics Nichols Institute San Juan Capistrano); PubMed 22810696 (cited by Laboratory for Molecular Medicine, Mass General Brigham Personalized Medicine).